The following is an entry in ClinVar:

ClinVar aggregate classification (germline): Uncertain significance (1 of 4 stars; one submission).

Conditions:
CEP290-related disorder. Also called: CEP290-related condition; CEP290-related disorders. Identifiers: MedGen CN239314.

gnomAD v4.1: 6 of 1,595,686 alleles (0.00038%); highest among the groups gnomAD compares: African/African-American, 0.0067%; no homozygotes.

Submission:

PreventionGenetics, part of Exact Sciences
Classification: Uncertain significance for CEP290-related condition. Last evaluated: 2026-07-11. Review status: criteria provided, single submitter. Criteria: ACMG Guidelines, 2015. Collection method: clinical testing. Allele origin: germline.
Comment: The CEP290 c.1636G>A variant is predicted to result in the amino acid substitution p.Glu546Lys. To our knowledge, this variant has not been reported in the literature. This variant is reported in 0.013% of alleles in individuals of African descent in gnomAD. At this time, the clinical significance of this variant is uncertain due to the absence of conclusive functional and genetic evidence.

NM_025114.4(CEP290):c.1636G>A (p.Glu546Lys)

Gene: CEP290 (centrosomal protein 290; minus strand). Cytogenetic location: 12q21.32.
Variant type: single nucleotide variant.
Coding change: c.1636G>A on transcript NM_025114.4 (MANE Select); coding-DNA position 1636, G replaced by A.
Protein change: p.Glu546Lys; replaces glutamic acid 546 with lysine.
Molecular consequence: missense variant.
Genome position (GRCh38, 1-based): chr12:88,118,558, C>T on the plus strand (G>A on the coding strand, the complement: CEP290 is on the minus strand). VCF-style: chr12-88118558-C-T. GRCh37 (hg19) VCF-style: chr12-88512335-C-T.
Other names: short protein forms E546K.
Identifiers: ClinVar variation 3350592 (VCV003350592.2).
Genomic context (GRCh38, chr12:88,118,558, plus strand): 5'-TTTTTCCTCTTTCTTGAGCCATTTGACGAATTTTTTTTTTCAGATCAAGTCGTTCTTCCT[C>T]TAGACTTTCAATCTGCAAAGTATAAATTATTAGTATTTCTCTATAGTTCAGCCAAGAAAA-3'
Protein context (NP_079390.3, residues 536-556): QILLKEIESL[Glu546Lys]EERLDLKKKI